The following is an entry in ClinVar:

NM_001278716.2(FBXL4):c.1317+13C>T

Gene: FBXL4 (F-box and leucine rich repeat protein 4; minus strand). Cytogenetic location: 6q16.1.
Variant type: single nucleotide variant.
Coding change: c.1317+13C>T on transcript NM_001278716.2 (MANE Select); 13 bases into the intron after coding-DNA position 1317, C replaced by T.
Molecular consequence: intron variant. On other transcripts: non-coding transcript variant (1).
Genome position (GRCh38, 1-based): chr6:98,899,255, G>A on the plus strand (C>T on the coding strand, the complement: FBXL4 is on the minus strand). VCF-style: chr6-98899255-G-A. GRCh37 (hg19) VCF-style: chr6-99347131-G-A.
Other names: c.1317+13C>T (NM_012160.5).
Identifiers: ClinVar variation 437728 (VCV000437728.1), dbSNP rs761093364, ClinGen allele CA3933487.

ClinVar aggregate classification (germline): Uncertain significance (1 of 4 stars; one submission).

Conditions:
Mitochondrial DNA depletion syndrome 13. Also called: FBXL4-Related Encephalomyopathic Mitochondrial DNA Depletion Syndrome; Mitochondrial DNA depletion syndrome 13 (encephalomyopathic type). Identifiers: Orphanet 369897, MedGen C3809592, MONDO:0014198, OMIM 615471.

Allele frequency attached by ClinVar (database versions not stated): gnomAD exomes 0.00001; ExAC 0.00002.
gnomAD v4.1: 3 of 1,611,382 alleles (0.00019%); highest among the groups gnomAD compares: South Asian, 0.0022%; no homozygotes.

Submission:

Wong Mito Lab, Molecular and Human Genetics, Baylor College of Medicine
Classification: Uncertain significance for Mitochondrial DNA depletion syndrome 13. Last evaluated: 2017-08-10. Review status: criteria provided, single submitter. Criteria: ACMG Guidelines, 2015. Collection method: reference population. Allele origin: germline.
Comment: The NM_012160.4:c.1317+13C>T (NP_036292.2:p.=) [GRCH38: NC_000006.12:g.98899255G>A] variant in FBXL4 gene is interpretated to be a Uncertain Significance - Insufficient Evidence based on ACMG guidelines (PMID: 25741868). This variant meets one or more of the following evidence codes reported in the ACMG-guideline. PM2:This variant is absent in key population databases. Based on this evidence code ClinGen Pathogenicity Calculator (PMID:28081714) suggested that the variant is Uncertain Significance - Insufficient Evidence.